The following is an entry in ClinVar:

ClinVar aggregate classification (germline): Pathogenic (1 of 4 stars; one submission).

Submission:

Labcorp Genetics (formerly Invitae), Labcorp
Classification: Pathogenic. Last evaluated: 2025-09-14. Review status: criteria provided, single submitter. Criteria: Invitae Variant Classification Sherloc (09022015). Collection method: clinical testing. Allele origin: germline.
Comment: This sequence change creates a premature translational stop signal (p.Trp16*) in the ARPC1B gene. It is expected to result in an absent or disrupted protein product. Loss-of-function variants in ARPC1B are known to be pathogenic (PMID: 27965109, 28368018, 29127144). This variant is not present in population databases (gnomAD no frequency). This variant has not been reported in the literature in individuals affected with ARPC1B-related conditions. For these reasons, this variant has been classified as Pathogenic.

Literature cited by the submitters: PubMed 27965109; PubMed 28368018; PubMed 29127144.

NM_005720.4(ARPC1B):c.48del (p.Ala15_Trp16insTer)

Gene: ARPC1B (actin related protein 2/3 complex subunit 1B; plus strand). Cytogenetic location: 7q22.1.
Variant type: Deletion.
Coding change: c.48del on transcript NM_005720.4 (MANE Select); coding-DNA position 48, one base deleted (G; older notation c.48delG).
Protein change: p.Ala15_Trp16insTer.
Molecular consequence: nonsense.
Genome position (GRCh38, 1-based): chr7:99,385,762, G deleted; the last of 2 consecutive G bases (chr7:99,385,761-99,385,762); deleting either gives the same sequence. VCF-style (leftmost placement, unchanged base first): chr7-99385760-TG-T. GRCh37 (hg19) VCF-style: chr7-98983383-TG-T.
Identifiers: ClinVar variation 4760331 (VCV004760331.1).